The following is an entry in ClinVar:

NM_006767.4(LZTR1):c.1357G>A (p.Glu453Lys)

Gene: LZTR1 (leucine zipper like post translational regulator 1; plus strand). Cytogenetic location: 22q11.21.
Variant type: single nucleotide variant.
Coding change: c.1357G>A on transcript NM_006767.4 (MANE Select); coding-DNA position 1357, G replaced by A.
Protein change: p.Glu453Lys; replaces glutamic acid 453 with lysine.
Molecular consequence: missense variant.
Genome position (GRCh38, 1-based): chr22:20,993,927, G>A. VCF-style: chr22-20993927-G-A. GRCh37 (hg19) VCF-style: chr22-21348216-G-A.
Other names: short protein forms E453K.
Identifiers: ClinVar variation 1770728 (VCV001770728.2), dbSNP rs1242347607, ClinGen allele CA410774969.
Genomic context (GRCh38, chr22:20,993,927, plus strand): 5'-TCTGTTCTCTGGGGCGAGGGTCCTGTGCCCTCTGCCAGTGCATCATTCTTTGTGCAGAAG[G>A]AGGAGTGCGTGCAGGGCCACGTAGCCATTGTCACAGCGCGGAGCCGCTGGCTTCGCAGGA-3'
Protein context (NP_006758.2, residues 443-463): CDVEFVLGEK[Glu453Lys]ECVQGHVAIV

ClinVar aggregate classification (germline): Uncertain significance (1 of 4 stars; one submission).

Conditions:
Cardiovascular phenotype. Identifiers: MedGen CN230736.
Hereditary cancer-predisposing syndrome. Also called: Hereditary Cancer Syndrome; Hereditary neoplastic syndrome; Neoplastic Syndromes, Hereditary; Tumor predisposition. Identifiers: Orphanet 140162, MedGen C0027672, MeSH D009386, MONDO:0015356.

Submission:

Ambry Genetics
Classification: Uncertain significance for Cardiovascular phenotype; Hereditary cancer-predisposing syndrome. Last evaluated: 2022-10-29. Review status: criteria provided, single submitter. Criteria: Ambry Variant Classification Scheme 2023. Collection method: clinical testing. Allele origin: germline.
Comment: The p.E453K variant (also known as c.1357G>A), located in coding exon 13 of the LZTR1 gene, results from a G to A substitution at nucleotide position 1357. The glutamic acid at codon 453 is replaced by lysine, an amino acid with similar properties. This amino acid position is conserved. In addition, the in silico prediction for this alteration is inconclusive. Since supporting evidence is limited at this time, the clinical significance of this alteration remains unclear.